The following is an entry in ClinVar:

NM_002397.5(MEF2C):c.-143+1G>T

Gene: MEF2C (myocyte enhancer factor 2C; minus strand). Cytogenetic location: 5q14.3.
Variant type: single nucleotide variant.
Coding change: c.-143+1G>T on transcript NM_002397.5 (MANE Select); the canonical splice donor site of the intron after 143 bases upstream of the start codon, G replaced by T.
Molecular consequence: splice donor variant. On other transcripts: intron variant (7).
Genome position (GRCh38, 1-based): chr5:88,882,954, C>A on the plus strand (G>T on the coding strand, the complement: MEF2C is on the minus strand). VCF-style: chr5-88882954-C-A. GRCh37 (hg19) VCF-style: chr5-88178771-C-A.
Other names: c.-143+1G>T (NM_001308002.3, NM_001364355.2, NM_001193349.3 and 5 more transcripts); c.-239+1G>T (NM_001364331.2); c.-143+4548G>T (NM_001131005.2, NM_001193347.1, NM_001364330.2); c.-140+4548G>T (NM_001364334.2, NM_001364329.2); c.-143+1535G>T (NM_001364345.2, NM_001364335.2); c.-140+1G>T (NM_001364354.2, NM_001364332.2, NM_001364352.2 and 8 more transcripts).
Identifiers: ClinVar variation 3393714 (VCV003393714.2).

ClinVar aggregate classification (germline): Uncertain significance (1 of 4 stars; one submission).

Submission:

GeneDx
Classification: Uncertain significance. Last evaluated: 2026-09-21. Review status: criteria provided, single submitter. Criteria: GeneDx Variant Classification Process June 2021. Collection method: clinical testing. Allele origin: germline.
Comment: In silico analysis supports a deleterious effect on splicing; No data available from control populations to assess the frequency of this variant; Has not been previously published as pathogenic or benign to our knowledge